The following is an entry in ClinVar:

NM_201631.4(TGM5):c.2010C>G (p.Phe670Leu)

Gene: TGM5 (transglutaminase 5; minus strand). Cytogenetic location: 15q15.2.
Variant type: single nucleotide variant.
Coding change: c.2010C>G on transcript NM_201631.4 (MANE Select); coding-DNA position 2010, C replaced by G.
Protein change: p.Phe670Leu; replaces phenylalanine 670 with leucine.
Molecular consequence: missense variant.
Genome position (GRCh38, 1-based): chr15:43,233,344, G>C on the plus strand (C>G on the coding strand, the complement: TGM5 is on the minus strand). VCF-style: chr15-43233344-G-C. GRCh37 (hg19) VCF-style: chr15-43525542-G-C.
Other names: c.1764C>G, p.Phe588Leu (NM_004245.4); short protein forms F670L, F588L.
Identifiers: ClinVar variation 4828845 (VCV004828845.2).

ClinVar aggregate classification (germline): Conflicting classifications of pathogenicity. Review status: criteria provided, conflicting classifications (1 of 4 stars). 2 submissions from 2 submitters: Uncertain significance (1); Likely benign (1). Last evaluated 2026-01-14.

Conditions:
TGM5-related disorder. Also called: TGM5-related condition.
Inborn genetic diseases. Identifiers: MedGen C0950123, MeSH D030342.

gnomAD v4.1: 7 of 1,613,438 alleles (0.00043%); highest among the groups gnomAD compares: African/African-American, 0.004%; no homozygotes.

Submissions (2):

Ambry Genetics
Classification: Likely benign for Inborn genetic diseases. Last evaluated: 2026-01-14. Review status: criteria provided, single submitter. Criteria: Ambry Variant Classification Scheme 2023. Collection method: clinical testing. Allele origin: germline.

PreventionGenetics, part of Exact Sciences
Classification: Uncertain significance for TGM5-related condition. Last evaluated: 2025-05-01. Review status: criteria provided, single submitter. Criteria: ACMG Guidelines, 2015. Collection method: clinical testing. Allele origin: germline.
Comment: The TGM5 c.2010C>G variant is predicted to result in the amino acid substitution p.Phe670Leu. To our knowledge, this variant has not been reported in the literature or in a large population database (gnomAD), indicating this variant is rare. At this time, the clinical significance of this variant is uncertain due to the absence of conclusive functional and genetic evidence.